The following is an entry in ClinVar:

ClinVar aggregate classification (germline): Uncertain significance (1 of 4 stars; one submission).

Conditions:
Holoprosencephaly 3 (HPE3). Identifiers: Orphanet 2162, MedGen C1840529, MONDO:0007733, OMIM 142945.

Allele frequency attached by ClinVar (database versions not stated): TOPMed 0.00007; gnomAD 0.00009.
gnomAD v4.1: 13 of 152,186 alleles (0.0085%); highest among the groups gnomAD compares: South Asian, 0.021%; no homozygotes.

Submission:

Labcorp Genetics (formerly Invitae), Labcorp
Classification: Uncertain significance for Holoprosencephaly 3. Last evaluated: 2023-12-11. Review status: criteria provided, single submitter. Criteria: Invitae Variant Classification Sherloc (09022015). Collection method: clinical testing. Allele origin: germline.
Comment: This variant occurs in a non-coding region of the SHH gene. It does not change the encoded amino acid sequence of the SHH protein. This variant is not present in population databases (gnomAD no frequency). This variant has not been reported in the literature in individuals affected with SHH-related conditions. Experimental studies and prediction algorithms are not available or were not evaluated, and the functional significance of this variant is currently unknown. In summary, the available evidence is currently insufficient to determine the role of this variant in disease. Therefore, it has been classified as a Variant of Uncertain Significance.

NC_000007.14:g.156789596T>C

Genes: LMBR1 (limb development membrane protein 1; minus strand), SHH (sonic hedgehog signaling molecule; minus strand). Cytogenetic location: 7q36.3.
Variant type: single nucleotide variant.
Molecular consequence: intron variant (on NM_022458.4).
Genome position: GRCh38 VCF-style: chr7-156789596-T-C. GRCh37 (hg19) VCF-style: chr7-156582290-T-C.
Other names: c.360+6793A>G (NM_001363412.2); c.144+6793A>G (NM_001350954.2); c.423+6793A>G (NM_001363410.2, NM_022458.4, NM_001363409.2 and 1 more transcripts); c.-112+6793A>G (NM_001350958.2, NM_001350956.2, NM_001350955.2 and 1 more transcripts); c.54+6793A>G (NM_001350957.2, NM_001363411.2).
Identifiers: ClinVar variation 2868165 (VCV002868165.3), dbSNP rs768449601, ClinGen allele CA169823290.
Genomic context (GRCh38, chr7:156,789,596, plus strand): 5'-AATTAATGTACCAAGGTTCAGTTATATATTGACAAACGTTTCATAGATCAAAGATCAACA[T>C]TGTGACCCACTGAATAAATGATTTTATACATGAATAAATATGAGCTTAAGTGCCAAATAA-3'